The following is an entry in ClinVar:

ClinVar aggregate classification (germline): Conflicting classifications of pathogenicity. Review status: criteria provided, conflicting classifications (1 of 4 stars). 5 submissions from 5 submitters: Pathogenic (1); Likely pathogenic (2); Uncertain significance (2). Last evaluated 2025-04-29.

Conditions:
CFTR-related disorder (CFTR-RD). Also called: CFTR-related disorders; CFTR-related condition. Identifiers: MedGen C5924204, MONDO:7770004.
Cystic fibrosis (CF). Also called: MUCOVISCIDOSIS. Identifiers: Orphanet 586, MedGen C0010674, MONDO:0009061, OMIM 219700. Disease mechanism: loss of function.

Submissions (5):

Johns Hopkins Genomics, Johns Hopkins University
Classification: Pathogenic for Cystic fibrosis. Last evaluated: 2025-04-29. Review status: criteria provided, single submitter. Criteria: ACMG Guidelines, 2015. Collection method: clinical testing. Allele origin: germline.
Comment: Disease-causing CFTR variant. See CFTR2 for phenotype information.

Natera, Inc.
Classification: Likely pathogenic for CFTR-related disorders. Last evaluated: 2025-03-24. Review status: criteria provided, single submitter. Criteria: Natera Variant Classification Schema (03/2026). Collection method: clinical testing. Allele origin: germline.
Comment: The c.1546A>G variant in CFTR is a missense variant predicted to cause substitution of arginine to glycine at amino acid 516. This variant is rare in the general population with a frequency below the threshold expected for the associated phenotype(s). This variant has been observed in one or more individuals affected with the associated recessive disease, as either homozygous or compound heterozygous with a second variant (PMID: 31344706). Functional studies show that this variant may disrupt protein function (PMID: 38388235). Computational prediction algorithms indicate this variant is likely to affect gene or protein function. Given the available evidence, this variant is classified as Likely Pathogenic.

Women's Health and Genetics/Laboratory Corporation of America, LabCorp
Classification: Uncertain significance. Last evaluated: 2023-08-07. Review status: criteria provided, single submitter. Criteria: LabCorp Variant Classification Summary - May 2015. Collection method: clinical testing. Allele origin: germline.
Comment: Variant summary: CFTR c.1546A>G (p.Arg516Gly) results in a non-conservative amino acid change located in the ABC transporter-like, ATP-binding domain (IPR003439) of the encoded protein sequence. Five of five in-silico tools predict a damaging effect of the variant on protein function. The variant was absent in 251194 control chromosomes (gnomAD). The available data on variant occurrences in the general population are insufficient to allow any conclusion about variant significance. c.1546A>G has been reported in the literature in individuals affected with Cystic Fibrosis (examples: Salinas_2020). These data do not allow any conclusion about variant significance. To our knowledge, no experimental evidence demonstrating an impact on protein function has been reported. The following publications have been ascertained in the context of this evaluation (PMID: 34782259, 31344706). Two submitters have cited clinical-significance assessments for this variant to ClinVar after 2014. One submitter classified the variant as likely pathogenic, and one submitter classified the variant as uncertain significance. Based on the evidence outlined above, the variant was classified as uncertain significance.

Ambry Genetics
Classification: Likely pathogenic for Cystic fibrosis. Last evaluated: 2023-04-24. Review status: criteria provided, single submitter. Criteria: Ambry Variant Classification Scheme 2023. Collection method: clinical testing. Allele origin: germline.
Comment: The p.R516G variant (also known as c.1546A>G), located in coding exon 11 of the CFTR gene, results from an A to G substitution at nucleotide position 1546. The arginine at codon 516 is replaced by glycine, an amino acid with dissimilar properties. This variant has been detected in conjunction with a CFTR pathogenic variant in two individuals with cystic fibrosis (Salinas DB et al. Pediatr Res, 2020 Jan;87:137-145; Raraigh KS et al. J Cyst Fibros, 2022 May;21:463-470). This variant has <10% of normal CFTR function in The Clinical and Functional TRanslation of CFTR (CFTR2) database (available at CFTR2. Accessed 04/21/2023). This amino acid position is highly conserved in available vertebrate species. In addition, this alteration is predicted to be deleterious by in silico analysis. This variant is considered to be rare based on population cohorts in the Genome Aggregation Database (gnomAD). Based on the majority of available evidence to date, this variant is likely to be pathogenic.

GeneDx
Classification: Uncertain significance. Last evaluated: 2020-04-10. Review status: criteria provided, single submitter. Criteria: GeneDx Variant Classification Process June 2021. Collection method: clinical testing. Allele origin: germline. Affected: yes.
Comment: Not observed in large population cohorts (Lek et al., 2016); In silico analysis supports that this missense variant has a deleterious effect on protein structure/function; Has not been previously published as pathogenic or benign to our knowledge

Literature cited by the submitters: PubMed 38388235 (cited by Johns Hopkins Genomics, Johns Hopkins University and Natera, Inc.); PubMed 31344706 (cited by 3 submitters); PubMed 34782259 (cited by Women's Health and Genetics/Laboratory Corporation of America, LabCorp and Ambry Genetics).

NM_000492.4(CFTR):c.1546A>G (p.Arg516Gly)

Genes: CFTR-AS1 (CFTR antisense RNA 1; minus strand), CFTR (CF transmembrane conductance regulator; plus strand). Cytogenetic location: 7q31.2.
Variant type: single nucleotide variant.
Coding change: c.1546A>G on transcript NM_000492.4 (MANE Select); coding-DNA position 1546, A replaced by G.
Protein change: p.Arg516Gly; replaces arginine 516 with glycine.
Molecular consequence: missense variant.
Genome position (GRCh38, 1-based): chr7:117,559,617, A>G. VCF-style: chr7-117559617-A-G. GRCh37 (hg19) VCF-style: chr7-117199671-A-G.
Other names: short protein forms R516G.
Identifiers: ClinVar variation 1303084 (VCV001303084.8), dbSNP rs397508226, ClinGen allele CA326530.